The following is an entry in ClinVar:

ClinVar aggregate classification (germline): Conflicting classifications of pathogenicity. Review status: criteria provided, conflicting classifications (1 of 4 stars). 3 submissions from 3 submitters: Uncertain significance (1); Likely benign (1). 1 of the submissions does not count toward it. Last evaluated 2025-09-19.

Conditions:
Cataract 13 with adult I phenotype. Identifiers: Orphanet 91492, MedGen C3805373, MONDO:0007289, OMIM 116700.
GCNT2-related disorder. Also called: GCNT2-related condition.
Blood group, I system (Ii). Identifiers: MedGen C0020717, OMIM 110800.

Allele frequency attached by ClinVar (database versions not stated): ESP Exome Variant Server 0.00069; 1000 Genomes Project 0.00080; gnomAD 0.00098 and 0.00101; gnomAD exomes 0.00108; 1000 Genomes Project 30x 0.00109; TOPMed 0.00113; ExAC 0.00116.
gnomAD v4.1: 2,552 of 1,614,146 alleles (0.16%); highest among the groups gnomAD compares: Middle Eastern, 0.31%; 3 homozygotes.

Submissions (3):

Labcorp Genetics (formerly Invitae), Labcorp
Classification: Likely benign for Cataract 13 with adult I phenotype. Last evaluated: 2025-09-19. Review status: criteria provided, single submitter. Criteria: Invitae Variant Classification Sherloc (09022015). Collection method: clinical testing. Allele origin: germline.

Illumina Laboratory Services, Illumina
Classification: Uncertain significance for Blood group, I system. Last evaluated: 2018-01-13. Review status: criteria provided, single submitter. Criteria: ICSL Variant Classification Criteria 13 December 2019. Collection method: clinical testing. Allele origin: germline.

PreventionGenetics, part of Exact Sciences
Classification: Likely benign for GCNT2-related condition. Last evaluated: 2023-05-09. Review status: no assertion criteria provided. Collection method: clinical testing. Allele origin: germline. Not counted in ClinVar's aggregate classification.
Comment: This variant is classified as likely benign based on ACMG/AMP sequence variant interpretation guidelines (Richards et al. 2015 PMID: 25741868, with internal and published modifications).

NM_001491.3(GCNT2):c.254C>G (p.Pro85Arg)

Gene: GCNT2 (glucosaminyl (N-acetyl) transferase 2 (I blood group); plus strand). Cytogenetic location: 6p24.3.
Variant type: single nucleotide variant.
Coding change: c.254C>G on transcript NM_001491.3 (MANE Plus Clinical); coding-DNA position 254, C replaced by G.
Protein change: p.Pro85Arg; replaces proline 85 with arginine.
Molecular consequence: missense variant. On other transcripts: intron variant (2).
Genome position (GRCh38, 1-based): chr6:10,556,677, C>G. VCF-style: chr6-10556677-C-G. GRCh37 (hg19) VCF-style: chr6-10556910-C-G.
Other names: c.925+26841C>G (NM_145649.5, NM_001374747.1); short protein forms P85R.
Identifiers: ClinVar variation 354701 (VCV000354701.15), dbSNP rs17637756, ClinGen allele CA3631968.